The following is an entry in ClinVar:

NC_012920.1(MT-ND5):m.13880C>A

Gene: MT-ND5 (mitochondrially encoded NADH dehydrogenase 5; plus strand).
Variant type: single nucleotide variant.
Genome position: chrM-13880-C-A.
Identifiers: ClinVar variation 693625 (VCV000693625.1), dbSNP rs28359181, ClinGen allele CA337099838.

ClinVar aggregate classification (germline): Benign (1 of 4 stars; one submission).

Conditions:
Leigh syndrome (NULS). Also called: Leigh's necrotizing encephalopathy; Leigh's disease; Leigh's syndrome; LEIGH SYNDROME, NUCLEAR; Leigh Syndrome (mtDNA deletion); Leigh Disease. Identifiers: Orphanet 506, MedGen C2931891, MONDO:0009723, OMIM 256000.

Submission:

Wong Mito Lab, Molecular and Human Genetics, Baylor College of Medicine
Classification: Benign for Leigh syndrome. Last evaluated: 2019-10-17. Review status: criteria provided, single submitter. Criteria: Modified ACMG Guidelines (Unpublished). Collection method: clinical testing. Allele origin: germline.
Comment: The NC_012920.1:m.13880C>A (YP_003024036.1:p.Ser515Tyr) variant in MTND5 gene is interpretated to be a Benign variant based on the modified ACMG guidelines (unpublished). This variant meets the following evidence codes: BA1